The following is an entry in ClinVar:

NM_014908.4(DOLK):c.206C>T (p.Ala69Val)

Gene: DOLK (dolichol kinase; minus strand). Cytogenetic location: 9q34.11.
Variant type: single nucleotide variant.
Coding change: c.206C>T on transcript NM_014908.4 (MANE Select); coding-DNA position 206, C replaced by T.
Protein change: p.Ala69Val; replaces alanine 69 with valine.
Molecular consequence: missense variant.
Genome position (GRCh38, 1-based): chr9:128,947,098, G>A on the plus strand (C>T on the coding strand, the complement: DOLK is on the minus strand). VCF-style: chr9-128947098-G-A. GRCh37 (hg19) VCF-style: chr9-131709377-G-A.
Other names: short protein forms A69V.
Identifiers: ClinVar variation 451562 (VCV000451562.11), dbSNP rs1554826850, ClinGen allele CA375127662.

ClinVar aggregate classification (germline): Uncertain significance. Review status: criteria provided, multiple submitters, no conflicts (2 of 4 stars). 2 submissions from 2 submitters: Uncertain significance (2). Last evaluated 2018-09-17.

Conditions:
DK1-congenital disorder of glycosylation. Also called: DOLK-congenital disorder of glycosylation; Carbohydrate deficient glycoprotein syndrome type 1m; CONGENITAL DISORDER OF GLYCOSYLATION, TYPE Im; CDG Im; DK1 DEFICIENCY; DOLICHOL KINASE DEFICIENCY. Identifiers: Orphanet 91131, MedGen C1835849, MONDO:0012556, OMIM 610768.

Submissions (2):

Labcorp Genetics (formerly Invitae), Labcorp
Classification: Uncertain significance for DK1-congenital disorder of glycosylation. Last evaluated: 2018-09-17. Review status: criteria provided, single submitter. Criteria: Invitae Variant Classification Sherloc (09022015). Collection method: clinical testing. Allele origin: germline.
Comment: This variant has not been reported in the literature in individuals with DOLK-related disease. ClinVar contains an entry for this variant (Variation ID: 451562). This variant is not present in population databases (ExAC no frequency). This sequence change replaces alanine with valine at codon 69 of the DOLK protein (p.Ala69Val). The alanine residue is moderately conserved and there is a small physicochemical difference between alanine and valine. Algorithms developed to predict the effect of missense changes on protein structure and function are either unavailable or do not agree on the potential impact of this missense change (SIFT: "Tolerated"; PolyPhen-2: "Probably Damaging"; Align-GVGD: "Class C0"). In summary, the available evidence is currently insufficient to determine the role of this variant in disease. Therefore, it has been classified as a Variant of Uncertain Significance.

GeneDx
Classification: Uncertain significance. Last evaluated: 2017-08-23. Review status: criteria provided, single submitter. Criteria: GeneDx Variant Classification (06012015). Collection method: clinical testing. Allele origin: germline. Affected: yes.
Comment: The A69V variant in the DOLK gene has not been reported previously as a pathogenic variant, nor as a benign variant, to our knowledge. This variant is not observed in large population cohorts (Lek et al., 2016; 1000 Genomes Consortium et al., 2015; Exome Variant Server). The A69V variant is a conservative amino acid substitution, which is not likely to impact secondary protein structure as these residues share similar properties. This substitution occurs at a position that is conserved across species. In silico analysis is inconsistent in its predictions as to whether or not the variant is damaging to the protein structure/function. We interpret A69V as a variant of uncertain significance.